The following is an entry in ClinVar:

NM_022081.6(HPS4):c.1637A>G (p.His546Arg)

Gene: HPS4 (HPS4 biogenesis of lysosomal organelles complex 3 subunit 2; minus strand). Cytogenetic location: 22q12.1.
Variant type: single nucleotide variant.
Coding change: c.1637A>G on transcript NM_022081.6 (MANE Select); coding-DNA position 1637, A replaced by G.
Protein change: p.His546Arg; replaces histidine 546 with arginine.
Molecular consequence: missense variant. On other transcripts: non-coding transcript variant (8).
Genome position (GRCh38, 1-based): chr22:26,463,993, T>C on the plus strand (A>G on the coding strand, the complement: HPS4 is on the minus strand). VCF-style: chr22-26463993-T-C. GRCh37 (hg19) VCF-style: chr22-26859959-T-C.
Other names: c.1637A>G, p.His546Arg (NM_001349896.1, NM_001349898.2, NM_001349899.2 and 5 more transcripts); c.1691A>G, p.His564Arg (NM_001349900.2, NM_001349901.1); c.1622A>G, p.His541Arg (NM_152841.2); short protein forms H564R, H546R, H541R.
Identifiers: ClinVar variation 1918089 (VCV001918089.2), dbSNP rs532246881, ClinGen allele CA322844991.

ClinVar aggregate classification (germline): Uncertain significance (1 of 4 stars; one submission).

Allele frequency attached by ClinVar (database versions not stated): TOPMed 0.00001; gnomAD exomes 0.00005.
gnomAD v4.1: 65 of 1,614,192 alleles (0.004%); highest among the groups gnomAD compares: Non-Finnish European, 0.0053%; no homozygotes.

Submission:

Labcorp Genetics (formerly Invitae), Labcorp
Classification: Uncertain significance. Last evaluated: 2022-03-31. Review status: criteria provided, single submitter. Criteria: Invitae Variant Classification Sherloc (09022015). Collection method: clinical testing. Allele origin: germline.
Comment: This sequence change replaces histidine, which is basic and polar, with arginine, which is basic and polar, at codon 546 of the HPS4 protein (p.His546Arg). This variant is present in population databases (rs532246881, gnomAD 0.004%). This variant has not been reported in the literature in individuals affected with HPS4-related conditions. Algorithms developed to predict the effect of missense changes on protein structure and function are either unavailable or do not agree on the potential impact of this missense change (SIFT: "Tolerated"; PolyPhen-2: "Probably Damaging"; Align-GVGD: "Class C0"). In summary, the available evidence is currently insufficient to determine the role of this variant in disease. Therefore, it has been classified as a Variant of Uncertain Significance.